The following is an entry in ClinVar:

ClinVar aggregate classification (germline): Uncertain significance (1 of 4 stars; one submission).

Submission:

GeneDx
Classification: Uncertain significance. Last evaluated: 2022-09-14. Review status: criteria provided, single submitter. Criteria: GeneDx Variant Classification Process June 2021. Collection method: clinical testing. Allele origin: germline. Affected: yes.
Comment: Not observed at significant frequency in large population cohorts (gnomAD); In silico analysis supports that this missense variant has a deleterious effect on protein structure/function; Has not been previously published as pathogenic or benign to our knowledge; This variant is associated with the following publications: (PMID: 19782031, 22419737)

NM_007194.4(CHEK2):c.1103A>T (p.Asp368Val)

Gene: CHEK2 (checkpoint kinase 2; minus strand). Cytogenetic location: 22q12.1.
Variant type: single nucleotide variant.
Coding change: c.1103A>T on transcript NM_007194.4 (MANE Select); coding-DNA position 1103, A replaced by T.
Protein change: p.Asp368Val; replaces aspartic acid 368 with valine.
Molecular consequence: missense variant.
Genome position (GRCh38, 1-based): chr22:28,695,866, T>A on the plus strand (A>T on the coding strand, the complement: CHEK2 is on the minus strand). VCF-style: chr22-28695866-T-A. GRCh37 (hg19) VCF-style: chr22-29091854-T-A.
Other names: c.902A>T, p.Asp301Val (NM_001349956.3); c.1016A>T, p.Asp339Val (NM_145862.3); c.1232A>T, p.Asp411Val (NM_001005735.3); c.440A>T, p.Asp147Val (NM_001257387.3); short protein forms D147V, D301V, D339V, D368V, D411V.
Identifiers: ClinVar variation 2444687 (VCV002444687.1), dbSNP rs1555913929, ClinGen allele CA411097176.